The following is an entry in ClinVar:

ClinVar aggregate classification (germline): Uncertain significance (1 of 4 stars; one submission).

Conditions:
FOXE3-related disorder. Also called: FOXE3-related condition.

Submission:

PreventionGenetics, part of Exact Sciences
Classification: Uncertain significance for FOXE3-related condition. Last evaluated: 2024-12-23. Review status: criteria provided, single submitter. Criteria: ACMG Guidelines, 2015. Collection method: clinical testing. Allele origin: germline.
Comment: The FOXE3 c.71C>T variant is predicted to result in the amino acid substitution p.Pro24Leu. To our knowledge, this variant has not been reported in the literature or in a large population database (gnomAD), indicating this variant is rare. At this time, the clinical significance of this variant is uncertain due to the absence of conclusive functional and genetic evidence.

NM_012186.3(FOXE3):c.71C>T (p.Pro24Leu)

Genes: FOXE3 (forkhead box E3; plus strand), LINC01389 (long independently transcribed non-coding RNA 1389; minus strand). Cytogenetic location: 1p33.
Variant type: single nucleotide variant.
Coding change: c.71C>T on transcript NM_012186.3 (MANE Select); coding-DNA position 71, C replaced by T.
Protein change: p.Pro24Leu; replaces proline 24 with leucine.
Molecular consequence: missense variant.
Genome position (GRCh38, 1-based): chr1:47,416,386, C>T. VCF-style: chr1-47416386-C-T. GRCh37 (hg19) VCF-style: chr1-47882058-C-T.
Other names: short protein forms P24L.
Identifiers: ClinVar variation 4980886 (VCV004980886.1).